The following is an entry in ClinVar:

NM_006073.4(TRDN):c.41C>T (p.Thr14Ile)

Gene: TRDN (triadin; minus strand). Cytogenetic location: 6q22.31.
Variant type: single nucleotide variant.
Coding change: c.41C>T on transcript NM_006073.4 (MANE Select); coding-DNA position 41, C replaced by T.
Protein change: p.Thr14Ile; replaces threonine 14 with isoleucine.
Molecular consequence: missense variant.
Genome position (GRCh38, 1-based): chr6:123,571,114, G>A on the plus strand (C>T on the coding strand, the complement: TRDN is on the minus strand). VCF-style: chr6-123571114-G-A. GRCh37 (hg19) VCF-style: chr6-123892259-G-A.
Other names: c.41C>T, p.Thr14Ile (NM_001251987.2, NM_001256020.2, NM_001256021.2 and 1 more transcripts); short protein forms T14I.
Identifiers: ClinVar variation 1058189 (VCV001058189.9), dbSNP rs2114538213, ClinGen allele CA365569407.

ClinVar aggregate classification (germline): Uncertain significance (1 of 4 stars; one submission).

Conditions:
Catecholaminergic polymorphic ventricular tachycardia 1. Also called: VENTRICULAR TACHYCARDIA, CATECHOLAMINERGIC POLYMORPHIC, 1, WITH OR WITHOUT ATRIAL DYSFUNCTION AND/OR DILATED CARDIOMYOPATHY; RYR2-Related Catecholaminergic Polymorphic Ventricular Tachycardia; VENTRICULAR TACHYCARDIA, STRESS-INDUCED POLYMORPHIC 1. Identifiers: Orphanet 3286, MedGen C1631597, MONDO:0011484, OMIM 604772.

Allele frequency attached by ClinVar (database versions not stated): gnomAD exomes 0.00001.
gnomAD v4.1: 9 of 1,613,908 alleles (0.00056%); highest among the groups gnomAD compares: Non-Finnish European, 0.00076%; no homozygotes.

Submission:

Labcorp Genetics (formerly Invitae), Labcorp
Classification: Uncertain significance for Catecholaminergic polymorphic ventricular tachycardia 1. Last evaluated: 2024-04-19. Review status: criteria provided, single submitter. Criteria: Invitae Variant Classification Sherloc (09022015). Collection method: clinical testing. Allele origin: germline.
Comment: This sequence change replaces threonine, which is neutral and polar, with isoleucine, which is neutral and non-polar, at codon 14 of the TRDN protein (p.Thr14Ile). This variant is not present in population databases (gnomAD no frequency). This variant has not been reported in the literature in individuals affected with TRDN-related conditions. ClinVar contains an entry for this variant (Variation ID: 1058189). Advanced modeling of protein sequence and biophysical properties (such as structural, functional, and spatial information, amino acid conservation, physicochemical variation, residue mobility, and thermodynamic stability) performed at Invitae indicates that this missense variant is expected to disrupt TRDN protein function with a positive predictive value of 80%. In summary, the available evidence is currently insufficient to determine the role of this variant in disease. Therefore, it has been classified as a Variant of Uncertain Significance.